The following is an entry in ClinVar:

ClinVar aggregate classification (germline): Pathogenic (1 of 4 stars; one submission).

Conditions:
Deficiency of UDPglucose-hexose-1-phosphate uridylyltransferase. Also called: GALT deficiency; Galactosemia, classic; GALACTOSE-1-PHOSPHATE URIDYLYLTRANSFERASE DEFICIENCY; Transferase Deficiency Galactosemia; GALACTOSEMIA I. Identifiers: Orphanet 352, Orphanet 79239, MedGen C0268151, MONDO:0009258, OMIM 230400.

Submission:

Labcorp Genetics (formerly Invitae), Labcorp
Classification: Pathogenic for Deficiency of UDPglucose-hexose-1-phosphate uridylyltransferase. Last evaluated: 2026-01-20. Review status: criteria provided, single submitter. Criteria: Invitae Variant Classification Sherloc (09022015). Collection method: clinical testing. Allele origin: germline.
Comment: This sequence change creates a premature translational stop signal (p.Asn97Lysfs*41) in the GALT gene. It is expected to result in an absent or disrupted protein product. Loss-of-function variants in GALT are known to be pathogenic (PMID: 22944367). This variant is not present in population databases (gnomAD no frequency). This variant has not been reported in the literature in individuals affected with GALT-related conditions. Algorithms developed to predict the effect of sequence changes on RNA splicing suggest that this variant may disrupt the consensus splice site. For these reasons, this variant has been classified as Pathogenic.

Literature cited by the submitters: PubMed 22944367.

NM_000155.4(GALT):c.291del (p.Asn97fs)

Gene: GALT (galactose-1-phosphate uridylyltransferase; plus strand). Cytogenetic location: 9p13.3.
Variant type: Deletion.
Coding change: c.291del on transcript NM_000155.4 (MANE Select); coding-DNA position 291, one base deleted (C; older notation c.291delC).
Protein change: p.Asn97fs; shifts the reading frame from asparagine 97.
Molecular consequence: frameshift variant. On other transcripts: intron variant (1).
Genome position (GRCh38, 1-based): chr9:34,647,530, C deleted. VCF-style (leftmost placement, unchanged base first): chr9-34647529-AC-A. GRCh37 (hg19) VCF-style: chr9-34647526-AC-A.
Other names: c.50+272del (NM_001258332.2); short protein forms N97fs.
Identifiers: ClinVar variation 4735810 (VCV004735810.1).